The following is an entry in ClinVar:

NM_001282933.2(ZNF341):c.1253del (p.Gln418fs)

Gene: ZNF341 (zinc finger protein 341; plus strand). Cytogenetic location: 20q11.22.
Variant type: Deletion.
Coding change: c.1253del on transcript NM_001282933.2 (MANE Select); coding-DNA position 1253, one base deleted (A; older notation c.1253delA).
Protein change: p.Gln418fs; shifts the reading frame from glutamine 418.
Molecular consequence: frameshift variant. On other transcripts: non-coding transcript variant (1).
Genome position (GRCh38, 1-based): chr20:33,766,881, A deleted. VCF-style (leftmost placement, unchanged base first): chr20-33766880-CA-C. GRCh37 (hg19) VCF-style: chr20-32354686-CA-C.
Other names: c.983del, p.Gln328fs (NM_001282935.2); c.1232del, p.Gln411fs (NM_032819.5); short protein forms Q328fs, Q418fs, Q411fs.
Identifiers: ClinVar variation 4717807 (VCV004717807.1).

ClinVar aggregate classification (germline): Pathogenic (1 of 4 stars; one submission).

Submission:

Labcorp Genetics (formerly Invitae), Labcorp
Classification: Pathogenic. Last evaluated: 2025-04-17. Review status: criteria provided, single submitter. Criteria: Invitae Variant Classification Sherloc (09022015). Collection method: clinical testing. Allele origin: germline.
Comment: This sequence change creates a premature translational stop signal (p.Gln411Argfs*47) in the ZNF341 gene. It is expected to result in an absent or disrupted protein product. Loss-of-function variants in ZNF341 are known to be pathogenic (PMID: 29907690, 29907691). This variant is not present in population databases (gnomAD no frequency). This variant has not been reported in the literature in individuals affected with ZNF341-related conditions. For these reasons, this variant has been classified as Pathogenic.

Literature cited by the submitters: PubMed 29907690; PubMed 29907691.